The following is an entry in ClinVar:

ClinVar aggregate classification (germline): Benign (1 of 4 stars; one submission).

Allele frequency attached by ClinVar (database versions not stated): 1000 Genomes Project 0.86601; 1000 Genomes Project 30x 0.86852; gnomAD exomes 0.90001; TOPMed 0.91493; gnomAD 0.91846 and 0.92408.
gnomAD v4.1: 351,419 of 387,304 alleles (91%); highest among the groups gnomAD compares: African/African-American, 93%; 160,030 homozygotes.

Submission:

GeneDx
Classification: Benign. Last evaluated: 2018-06-19. Review status: criteria provided, single submitter. Criteria: GeneDx Variant Classification (06012015). Collection method: clinical testing. Allele origin: germline. Affected: yes.
Comment: This variant is considered likely benign or benign based on one or more of the following criteria: it is a conservative change, it occurs at a poorly conserved position in the protein, it is predicted to be benign by multiple in silico algorithms, and/or has population frequency not consistent with disease.

NM_003073.5(SMARCB1):c.232+313T>C

Gene: SMARCB1 (SWI/SNF related BAF chromatin remodeling complex subunit B1; plus strand). Cytogenetic location: 22q11.23.
Variant type: single nucleotide variant.
Coding change: c.232+313T>C on transcript NM_003073.5 (MANE Select); 313 bases into the intron after coding-DNA position 232, T replaced by C.
Molecular consequence: intron variant.
Genome position (GRCh38, 1-based): chr22:23,792,207, T>C. VCF-style: chr22-23792207-T-C. GRCh37 (hg19) VCF-style: chr22-24134394-T-C.
Other names: c.232+313T>C (NM_001362877.2); c.205+340T>C (NM_001317946.2, NM_001007468.3).
Identifiers: ClinVar variation 684098 (VCV000684098.1), dbSNP rs5760022, ClinGen allele CA14990875.